The following is an entry in ClinVar:

ClinVar aggregate classification (germline): Likely benign (1 of 4 stars; one submission).

Submission:

CeGaT Center for Human Genetics Tuebingen
Classification: Likely benign. Last evaluated: 2025-01-01. Review status: criteria provided, single submitter. Criteria: CeGaT Center For Human Genetics Tuebingen Variant Classification Criteria Version 2. Collection method: clinical testing. Allele origin: germline. Affected: yes. Observed: 1 variant allele.
Comment: PTPRQ: BS1

NM_001145026.2(PTPRQ):c.6453+12del

Gene: PTPRQ (protein tyrosine phosphatase receptor type Q; plus strand). Cytogenetic location: 12q21.31.
Variant type: Deletion.
Coding change: c.6453+12del on transcript NM_001145026.2 (MANE Select); 12 bases into the intron after coding-DNA position 6453, one base deleted (A; older notation c.6453+12delA).
Molecular consequence: intron variant.
Genome position (GRCh38, 1-based): chr12:80,669,476, A deleted; the last of 10 consecutive A bases (chr12:80,669,467-80,669,476); deleting any one gives the same sequence. VCF-style (leftmost placement, unchanged base first): chr12-80669466-TA-T. GRCh37 (hg19) VCF-style: chr12-81063245-TA-T.
Identifiers: ClinVar variation 3770393 (VCV003770393.13).